The following is an entry in ClinVar:

ClinVar aggregate classification (germline): Conflicting classifications of pathogenicity. Review status: criteria provided, conflicting classifications (1 of 4 stars). 3 submissions from 3 submitters: Uncertain significance (2); Likely benign (1). Last evaluated 2026-01-14.

Conditions:
Cardiovascular phenotype. Identifiers: MedGen CN230736.
Brugada syndrome 8 (BRGDA8). Identifiers: Orphanet 130, MedGen C2751083, MONDO:0013148, OMIM 613123.

Allele frequency attached by ClinVar (database versions not stated): gnomAD 0.00001 and 0.00002; TOPMed 0.00002; gnomAD exomes 0.00006; ExAC 0.00007; 1000 Genomes Project 30x 0.00016; 1000 Genomes Project 0.00020.

Submissions (3):

Labcorp Genetics (formerly Invitae), Labcorp
Classification: Uncertain significance for Brugada syndrome 8. Last evaluated: 2026-01-14. Review status: criteria provided, single submitter. Criteria: Invitae Variant Classification Sherloc (09022015). Collection method: clinical testing. Allele origin: germline.
Comment: This sequence change replaces aspartic acid, which is acidic and polar, with asparagine, which is neutral and polar, at codon 728 of the HCN4 protein (p.Asp728Asn). This variant is present in population databases (rs200468312, gnomAD 0.009%). This variant has not been reported in the literature in individuals affected with HCN4-related conditions. ClinVar contains an entry for this variant (Variation ID: 538080). Invitae Evidence Modeling of protein sequence and biophysical properties (such as structural, functional, and spatial information, amino acid conservation, physicochemical variation, residue mobility, and thermodynamic stability) indicates that this missense variant is not expected to disrupt HCN4 protein function with a negative predictive value of 95%. In summary, the available evidence is currently insufficient to determine the role of this variant in disease. Therefore, it has been classified as a Variant of Uncertain Significance.

Ambry Genetics
Classification: Likely benign for Cardiovascular phenotype. Last evaluated: 2024-05-06. Review status: criteria provided, single submitter. Criteria: Ambry Variant Classification Scheme 2023. Collection method: clinical testing. Allele origin: germline.

GeneDx
Classification: Uncertain significance. Last evaluated: 2023-01-10. Review status: criteria provided, single submitter. Criteria: GeneDx Variant Classification Process June 2021. Collection method: clinical testing. Allele origin: germline. Affected: yes.
Comment: Identified in a cohort of patients with family history of heritable thoracic aortic disease (TAD) or personal history of early-onset sporadic aortic dissections in published literature (Hanania et al., 2019); In silico analysis supports that this missense variant has a deleterious effect on protein structure/function; This variant is associated with the following publications: (PMID: 31731876)

NM_005477.3(HCN4):c.2182G>A (p.Asp728Asn)

Gene: HCN4 (hyperpolarization activated cyclic nucleotide gated potassium channel 4; minus strand). Cytogenetic location: 15q24.1.
Variant type: single nucleotide variant.
Coding change: c.2182G>A on transcript NM_005477.3 (MANE Select); coding-DNA position 2182, G replaced by A.
Protein change: p.Asp728Asn; replaces aspartic acid 728 with asparagine.
Molecular consequence: missense variant.
Genome position (GRCh38, 1-based): chr15:73,323,911, C>T on the plus strand (G>A on the coding strand, the complement: HCN4 is on the minus strand). VCF-style: chr15-73323911-C-T. GRCh37 (hg19) VCF-style: chr15-73616252-C-T.
Other names: short protein forms D728N.
Identifiers: ClinVar variation 538080 (VCV000538080.26), dbSNP rs200468312, ClinGen allele CA7649081.
Genomic context (GRCh38, chr15:73,323,911, plus strand): 5'-GCTGCACAATCTGCTGGATGATCTCATTCTCCTGGTAGTTGAAGACGCCGGAGTTGAGGT[C>T]GTGCTGGACTTTGTGGAGGAGGATGGAGTTCTTCTTGCCTGGGCCACAGAACAAGAACAG-3'
Protein context (NP_005468.1, residues 718-738): NSILLHKVQH[Asp728Asn]LNSGVFNYQE